The following is an entry in ClinVar:

NM_002470.4(MYH3):c.4238C>T (p.Ala1413Val)

Gene: MYH3 (myosin heavy chain 3; minus strand). Cytogenetic location: 17p13.1.
Variant type: single nucleotide variant.
Coding change: c.4238C>T on transcript NM_002470.4 (MANE Select); coding-DNA position 4238, C replaced by T.
Protein change: p.Ala1413Val; replaces alanine 1413 with valine.
Molecular consequence: missense variant.
Genome position (GRCh38, 1-based): chr17:10,634,958, G>A on the plus strand (C>T on the coding strand, the complement: MYH3 is on the minus strand). VCF-style: chr17-10634958-G-A. GRCh37 (hg19) VCF-style: chr17-10538275-G-A.
Other names: short protein forms A1413V.
Identifiers: ClinVar variation 321726 (VCV000321726.5), dbSNP rs757083529, ClinGen allele CA8392277.

ClinVar aggregate classification (germline): Conflicting classifications of pathogenicity. Review status: criteria provided, conflicting classifications (1 of 4 stars). 2 submissions from 1 submitter: Uncertain significance (1); Likely benign (1). Last evaluated 2018-01-12.

Conditions:
Distal arthrogryposis type 2B1 (DA2B1). Also called: Arthrogryposis multiplex congenita distal type II with craniofacial abnormalities. Identifiers: Orphanet 1147, MedGen C5193014, MONDO:0020820, OMIM 601680.
Freeman-Sheldon syndrome (DA2A). Also called: CRANIOCARPOTARSAL DYSPLASIA; CRANIOCARPOTARSAL DYSTROPHY; WHISTLING FACE-WINDMILL VANE HAND SYNDROME; Arthrogryposis, distal, type 2A (Freeman-Sheldon). Identifiers: Orphanet 2053, MedGen C0265224, MONDO:0008675, OMIM 193700.

Allele frequency attached by ClinVar (database versions not stated): gnomAD exomes 0.00001; TOPMed 0.00001; ExAC 0.00002.
gnomAD v4.1: 7 of 1,614,072 alleles (0.00043%); highest among the groups gnomAD compares: Non-Finnish European, 0.00059%; no homozygotes.

Submissions (2):

Illumina Laboratory Services, Illumina
Classification: Likely benign for Freeman-Sheldon syndrome. Last evaluated: 2018-01-12. Review status: criteria provided, single submitter. Criteria: ICSL Variant Classification Criteria 13 December 2019. Collection method: clinical testing. Allele origin: germline.
Comment: This variant was observed in the ICSL laboratory as part of a predisposition screen in an ostensibly healthy population. It had not been previously curated by ICSL or reported in the Human Gene Mutation Database (HGMD: prior to June 1st, 2018), and was therefore a candidate for classification through an automated scoring system. Utilizing variant allele frequency, disease prevalence and penetrance estimates, and inheritance mode, an automated score was calculated to assess if this variant is too frequent to cause the disease. Based on the score and internal cut-off values, a variant classified as likely benign is not then subjected to further curation. The score for this variant resulted in a classification of likely benign for this disease.

Illumina Laboratory Services, Illumina
Classification: Uncertain significance for Distal arthrogryposis type 2B1. Last evaluated: 2018-01-12. Review status: criteria provided, single submitter. Criteria: ICSL Variant Classification Criteria 13 December 2019. Collection method: clinical testing. Allele origin: germline.